The following is an entry in ClinVar:

ClinVar aggregate classification (germline): Uncertain significance (1 of 4 stars; one submission).

Conditions:
Hereditary breast ovarian cancer syndrome. Also called: Hereditary breast and ovarian cancer syndrome (HBOC); Hereditary breast and ovarian cancer; BRCA1- and BRCA2-Associated Hereditary Breast and Ovarian Cancer; Hereditary breast and ovarian cancer syndrome; Hereditary breast and/or ovarian cancer syndrome; Breast and ovarian cancer. Identifiers: Orphanet 145, MedGen C0677776, MeSH D061325, MONDO:0003582. Disease mechanism: loss of function.

Submission:

Labcorp Genetics (formerly Invitae), Labcorp
Classification: Uncertain significance for Hereditary breast ovarian cancer syndrome. Last evaluated: 2026-01-12. Review status: criteria provided, single submitter. Criteria: Invitae Variant Classification Sherloc (09022015). Collection method: clinical testing. Allele origin: germline.
Comment: This sequence change falls in intron 13 of the BRCA2 gene. It does not directly change the encoded amino acid sequence of the BRCA2 protein. RNA analysis indicates that this variant induces altered splicing and may result in an absent or altered protein product. This variant is not present in population databases (gnomAD no frequency). This variant has not been reported in the literature in individuals affected with BRCA2-related conditions. Studies have shown that this variant results in activation of a cryptic exon, and produces a non-functional protein and/or introduces a premature termination codon (internal data). In summary, the available evidence is currently insufficient to determine the role of this variant in disease. Therefore, it has been classified as a Variant of Uncertain Significance.

NM_000059.4(BRCA2):c.7007+991_7007+994delinsTCTTTATTTTTTTTTTTTTTTTTATTTATCTTTATTTTTTTTTTATTTATCTTTATTTATCTTTTTTTATTTATCTTTATTTATCTTTATTTATCTTTCTTATTTC

Gene: BRCA2 (BRCA2 DNA repair associated; plus strand). Cytogenetic location: 13q13.1.
Variant type: Indel.
Coding change: c.7007+991_7007+994delinsTCTTTATTTTTTTTTTTTTTTTTATTTATCTTTATTTTTTTTTTATTTATCTTTATTTATCTTTTTTTATTTATCTTTATTTATCTTTATTTATCTTTCTTATTTC on transcript NM_000059.4 (MANE Select); bases 991 to 994 of the intron after coding-DNA position 7007, the reference bases replaced by an inserted sequence.
Molecular consequence: intron variant.
Genome position (GRCh38, 1-based): chr13:32,347,887-32,347,890, 4 bases replaced. GRCh37 (hg19): chr13:32,922,024-32,922,027.
Other names: c.7007+991_7007+994delinsTCTTTATTTTTTTTTTTTTTTTTATTTATCTTTATTTTTTTTTTATTTATCTTTATTTATCTTTTTTTATTTATCTTTATTTATCTTTATTTATCTTTCTTATTTC (NM_001432077.1, NM_001406720.1); c.6911+991_6911+994delinsTCTTTATTTTTTTTTTTTTTTTTATTTATCTTTATTTTTTTTTTATTTATCTTTATTTATCTTTTTTTATTTATCTTTATTTATCTTTATTTATCTTTCTTATTTC (NM_001406719.1); c.2075+991_2075+994delinsTCTTTATTTTTTTTTTTTTTTTTATTTATCTTTATTTTTTTTTTATTTATCTTTATTTATCTTTTTTTATTTATCTTTATTTATCTTTATTTATCTTTCTTATTTC (NM_001406721.1); c.590+991_590+994delinsTCTTTATTTTTTTTTTTTTTTTTATTTATCTTTATTTTTTTTTTATTTATCTTTATTTATCTTTTTTTATTTATCTTTATTTATCTTTATTTATCTTTCTTATTTC (NM_001406722.1).
Identifiers: ClinVar variation 3644997 (VCV003644997.2).